The following is an entry in ClinVar:

NM_001723.7(DST):c.6739G>T (p.Ala2247Ser)

Gene: DST (dystonin; minus strand). Cytogenetic location: 6p12.1.
Variant type: single nucleotide variant.
Coding change: c.6739G>T on transcript NM_001723.7 (MANE Plus Clinical); coding-DNA position 6739, G replaced by T.
Protein change: p.Ala2247Ser; replaces alanine 2247 with serine.
Molecular consequence: missense variant. On other transcripts: intron variant (10).
Genome position (GRCh38, 1-based): chr6:56,616,728, C>A on the plus strand (G>T on the coding strand, the complement: DST is on the minus strand). VCF-style: chr6-56616728-C-A. GRCh37 (hg19) VCF-style: chr6-56481526-C-A.
Other names: c.4831-2244G>T (NM_001144769.5); c.4930-2244G>T (NM_001374722.1, NM_001374736.1); c.4957-2244G>T (NM_001374734.1); c.4417-2244G>T (NM_001144770.2); c.4297-2244G>T (NM_001374730.1, NM_001386100.1, NM_183380.4 and 1 more transcripts); c.3319-2244G>T (NM_015548.5); short protein forms A2247S.
Identifiers: ClinVar variation 1007839 (VCV001007839.9), dbSNP rs757891711, ClinGen allele CA364564491.

ClinVar aggregate classification (germline): Uncertain significance (1 of 4 stars; one submission).

Conditions:
Epidermolysis bullosa simplex 3, localized or generalized intermediate, with BP230 deficiency (EBS3). Also called: Epidermolysis bullosa simplex due to BP230 deficiency; Epidermolysis bullosa simplex, autosomal recessive 2. Identifiers: Orphanet 412181, MedGen C3809470, MONDO:0014180, OMIM 615425.
Hereditary sensory and autonomic neuropathy type 6. Also called: HSAN VI; Neuropathy, hereditary sensory and autonomic, type VI. Identifiers: Orphanet 314381, MedGen C3539003, MONDO:0013839, OMIM 614653.

gnomAD v4.1: 4 of 1,614,206 alleles (0.00025%); highest among the groups gnomAD compares: Non-Finnish European, 0.00034%; no homozygotes.

Submission:

Labcorp Genetics (formerly Invitae), Labcorp
Classification: Uncertain significance for Epidermolysis bullosa simplex 3, localized or generalized intermediate, with BP230 deficiency; Hereditary sensory and autonomic neuropathy type 6. Last evaluated: 2020-07-16. Review status: criteria provided, single submitter. Criteria: Invitae Variant Classification Sherloc (09022015). Collection method: clinical testing. Allele origin: germline.
Comment: In summary, the available evidence is currently insufficient to determine the role of this variant in disease. Therefore, it has been classified as a Variant of Uncertain Significance. Algorithms developed to predict the effect of missense changes on protein structure and function (SIFT, PolyPhen-2, Align-GVGD) all suggest that this variant is likely to be tolerated, but these predictions have not been confirmed by published functional studies and their clinical significance is uncertain. This variant has not been reported in the literature in individuals with DST-related conditions. This variant is not present in population databases (ExAC no frequency). This sequence change replaces alanine with serine at codon 2247 of the DST protein (p.Ala2247Ser). The alanine residue is weakly conserved and there is a moderate physicochemical difference between alanine and serine.